The following is an entry in ClinVar:

NM_020919.4(ALS2):c.3985C>T (p.Arg1329Trp)

Gene: ALS2 (alsin Rho guanine nucleotide exchange factor ALS2; minus strand). Cytogenetic location: 2q33.1.
Variant type: single nucleotide variant.
Coding change: c.3985C>T on transcript NM_020919.4 (MANE Select); coding-DNA position 3985, C replaced by T.
Protein change: p.Arg1329Trp; replaces arginine 1329 with tryptophan.
Molecular consequence: missense variant.
Genome position (GRCh38, 1-based): chr2:201,715,691, G>A on the plus strand (C>T on the coding strand, the complement: ALS2 is on the minus strand). VCF-style: chr2-201715691-G-A. GRCh37 (hg19) VCF-style: chr2-202580414-G-A.
Other names: c.3985C>T (NM_020919.3); short protein forms R1329W.
Identifiers: ClinVar variation 1500475 (VCV001500475.6), dbSNP rs372763746, ClinGen allele CA2057710.

ClinVar aggregate classification (germline): Uncertain significance. Review status: criteria provided, multiple submitters, no conflicts (2 of 4 stars). 2 submissions from 2 submitters: Uncertain significance (2). Last evaluated 2024-02-27.

Conditions:
Inborn genetic diseases. Identifiers: MedGen C0950123, MeSH D030342.
Infantile-onset ascending hereditary spastic paralysis (IAHSP). Also called: Infantile-Onset Ascending Hereditary Spastic Paralysis (IAHSP); Autosomal Recessive Juvenile Amyotrophic Lateral Sclerosis. Identifiers: Orphanet 293168, MedGen C2931441, MONDO:0011797, OMIM 607225. Disease mechanism: loss of function.

Allele frequency attached by ClinVar (database versions not stated): ExAC 0.00006; gnomAD exomes 0.00006.
gnomAD v4.1: 26 of 1,614,006 alleles (0.0016%); highest among the groups gnomAD compares: East Asian, 0.031%; no homozygotes.

Submissions (2):

Ambry Genetics
Classification: Uncertain significance for Inborn genetic diseases. Last evaluated: 2024-02-27. Review status: criteria provided, single submitter. Criteria: Ambry Variant Classification Scheme 2023. Collection method: clinical testing. Allele origin: germline.

Labcorp Genetics (formerly Invitae), Labcorp
Classification: Uncertain significance for Infantile-onset ascending hereditary spastic paralysis. Last evaluated: 2022-02-24. Review status: criteria provided, single submitter. Criteria: Invitae Variant Classification Sherloc (09022015). Collection method: clinical testing. Allele origin: germline.
Comment: This sequence change replaces arginine, which is basic and polar, with tryptophan, which is neutral and slightly polar, at codon 1329 of the ALS2 protein (p.Arg1329Trp). This variant is present in population databases (rs372763746, gnomAD 0.08%). This variant has not been reported in the literature in individuals affected with ALS2-related conditions. Algorithms developed to predict the effect of missense changes on protein structure and function are either unavailable or do not agree on the potential impact of this missense change (SIFT: "Deleterious"; PolyPhen-2: "Possibly Damaging"; Align-GVGD: "Class C15"). In summary, the available evidence is currently insufficient to determine the role of this variant in disease. Therefore, it has been classified as a Variant of Uncertain Significance.